The following is an entry in ClinVar:

ClinVar aggregate classification (germline): Uncertain significance (1 of 4 stars; one submission).

Conditions:
Developmental delay, dysmorphic facies, and brain anomalies. Identifiers: MedGen C5882698, MONDO:0957810, OMIM 620535.

gnomAD v4.1: 1 of 1,593,172 alleles (0.000063%); highest among the groups gnomAD compares: Non-Finnish European, 0.000086%; no homozygotes.

Submission:

Clinical Genomics Laboratory, Washington University in St. Louis
Classification: Uncertain significance for Developmental delay, dysmorphic facies, and brain anomalies. Last evaluated: 2026-02-21. Review status: criteria provided, single submitter. Criteria: ACMG Guidelines, 2015. Collection method: clinical testing. Allele origin: germline.
Comment: The U2AF2 c.361C>T (p.Leu121Phe) variant, to our knowledge, has not been reported in the medical literature. This variant is absent from the general population (gnomAD v2.1.1), indicating it is not a common variant. The U2AF2 gene is a gene that has a low rate of benign missense variation and where pathogenic missense variants are a common mechanism of disease. Computational predictors vary in their predictions regardng whether the variant impacts U2AF2 function. Due to limited information, and based on ACMG/AMP guidelines for variant interpretation (Richards S et al., PMID: 25741868), the clinical significance of this variant is uncertain at this time.

NM_007279.3(U2AF2):c.361C>T (p.Leu121Phe)

Gene: U2AF2 (U2 small nuclear RNA auxiliary factor 2; plus strand). Cytogenetic location: 19q13.42.
Variant type: single nucleotide variant.
Coding change: c.361C>T on transcript NM_007279.3 (MANE Select); coding-DNA position 361, C replaced by T.
Protein change: p.Leu121Phe; replaces leucine 121 with phenylalanine.
Molecular consequence: missense variant.
Genome position (GRCh38, 1-based): chr19:55,661,064, C>T. VCF-style: chr19-55661064-C-T. GRCh37 (hg19) VCF-style: chr19-56172430-C-T.
Other names: c.361C>T, p.Leu121Phe (NM_001012478.2); short protein forms L121F.
Identifiers: ClinVar variation 4879235 (VCV004879235.1).
Genomic context (GRCh38, chr19:55,661,064, plus strand): 5'-ATGGGGTTTTATCCGGCTTTTATTCCCTTTGAAGCTGCGGGTCAGATTCCAGCCACTGCT[C>T]TTCTCCCCACCATGACCCCTGACGGTCTGGCTGTGACCCCAACGCCGGTGCCCGTGGTCG-3'
Protein context (NP_009210.1, residues 111-131): QAAGQIPATA[Leu121Phe]LPTMTPDGLA